The following is an entry in ClinVar:

NM_005619.5(RTN2):c.554G>A (p.Gly185Glu)

Genes: OPA3-RTN2 (OPA3-RTN2 readthrough; minus strand), RTN2 (reticulon 2; minus strand). Cytogenetic location: 19q13.32.
Variant type: single nucleotide variant.
Coding change: c.554G>A on transcript NM_005619.5 (MANE Select); coding-DNA position 554, G replaced by A.
Protein change: p.Gly185Glu; replaces glycine 185 with glutamic acid.
Molecular consequence: missense variant.
Genome position (GRCh38, 1-based): chr19:45,494,531, C>T on the plus strand (G>A on the coding strand, the complement: RTN2 is on the minus strand). VCF-style: chr19-45494531-C-T. GRCh37 (hg19) VCF-style: chr19-45997789-C-T.
Other names: c.554G>A, p.Gly185Glu (NM_206900.3); short protein forms G185E.
Identifiers: ClinVar variation 2771640 (VCV002771640.3), dbSNP rs779963520, ClinGen allele CA9516239.

ClinVar aggregate classification (germline): Uncertain significance (1 of 4 stars; one submission).

Conditions:
Spastic paraplegia. Identifiers: MedGen C0037772, HP:0001258.

Allele frequency attached by ClinVar (database versions not stated): ExAC 0.00001; gnomAD exomes 0.00001; TOPMed 0.00002.
gnomAD v4.1: 9 of 1,612,760 alleles (0.00056%); highest among the groups gnomAD compares: East Asian, 0.0022%; no homozygotes.

Submission:

Labcorp Genetics (formerly Invitae), Labcorp
Classification: Uncertain significance for Spastic paraplegia. Last evaluated: 2023-02-10. Review status: criteria provided, single submitter. Criteria: Invitae Variant Classification Sherloc (09022015). Collection method: clinical testing. Allele origin: germline.
Comment: In summary, the available evidence is currently insufficient to determine the role of this variant in disease. Therefore, it has been classified as a Variant of Uncertain Significance. Algorithms developed to predict the effect of missense changes on protein structure and function (SIFT, PolyPhen-2, Align-GVGD) all suggest that this variant is likely to be tolerated. This variant has not been reported in the literature in individuals affected with RTN2-related conditions. This variant is present in population databases (rs779963520, gnomAD 0.006%). This sequence change replaces glycine, which is neutral and non-polar, with glutamic acid, which is acidic and polar, at codon 185 of the RTN2 protein (p.Gly185Glu).